The following is an entry in ClinVar:

NM_033026.6(PCLO):c.14914C>A (p.Leu4972Ile)

Genes: PCLO (piccolo presynaptic cytomatrix protein; minus strand), LOC126860089 (MED14-independent group 3 enhancer GRCh37_chr7:82434470-82435669; plus strand). Cytogenetic location: 7q21.11.
Variant type: single nucleotide variant.
Coding change: c.14914C>A on transcript NM_033026.6 (MANE Select); coding-DNA position 14914, C replaced by A.
Protein change: p.Leu4972Ile; replaces leucine 4972 with isoleucine.
Molecular consequence: missense variant.
Genome position (GRCh38, 1-based): chr7:82,805,707, G>T on the plus strand (C>A on the coding strand, the complement: PCLO is on the minus strand). VCF-style: chr7-82805707-G-T. GRCh37 (hg19) VCF-style: chr7-82435023-G-T.
Other names: c.14914C>A (NM_033026.5); short protein forms L4972I.
Identifiers: ClinVar variation 1907814 (VCV001907814.3), dbSNP rs1336512602, ClinGen allele CA368018442.

ClinVar aggregate classification (germline): Uncertain significance. Review status: criteria provided, multiple submitters, no conflicts (2 of 4 stars). 2 submissions from 2 submitters: Uncertain significance (2). Last evaluated 2024-11-10.

Conditions:
Inborn genetic diseases. Identifiers: MedGen C0950123, MeSH D030342.

Allele frequency attached by ClinVar (database versions not stated): gnomAD exomes 0.00001; gnomAD 0.00002; TOPMed 0.00002.
gnomAD v4.1: 15 of 1,612,846 alleles (0.00093%); highest among the groups gnomAD compares: Non-Finnish European, 0.0013%; no homozygotes.

Submissions (2):

Ambry Genetics
Classification: Uncertain significance for Inborn genetic diseases. Last evaluated: 2024-11-10. Review status: criteria provided, single submitter. Criteria: Ambry Variant Classification Scheme 2023. Collection method: clinical testing. Allele origin: germline.

Labcorp Genetics (formerly Invitae), Labcorp
Classification: Uncertain significance. Last evaluated: 2022-01-07. Review status: criteria provided, single submitter. Criteria: Invitae Variant Classification Sherloc (09022015). Collection method: clinical testing. Allele origin: germline.
Comment: This sequence change replaces leucine, which is neutral and non-polar, with isoleucine, which is neutral and non-polar, at codon 4972 of the PCLO protein (p.Leu4972Ile). This variant is present in population databases (no rsID available, gnomAD 0.002%). This variant has not been reported in the literature in individuals affected with PCLO-related conditions. Algorithms developed to predict the effect of missense changes on protein structure and function are either unavailable or do not agree on the potential impact of this missense change (SIFT: "Tolerated"; PolyPhen-2: "Not Available"; Align-GVGD: "Class C0"). In summary, the available evidence is currently insufficient to determine the role of this variant in disease. Therefore, it has been classified as a Variant of Uncertain Significance.